The following is an entry in ClinVar:

NM_001347886.2(DNAH3):c.1904G>A (p.Arg635Gln)

Gene: DNAH3 (dynein axonemal heavy chain 3; minus strand). Cytogenetic location: 16p12.3.
Variant type: single nucleotide variant.
Coding change: c.1904G>A on transcript NM_001347886.2 (MANE Select); coding-DNA position 1904, G replaced by A.
Protein change: p.Arg635Gln; replaces arginine 635 with glutamine.
Molecular consequence: missense variant.
Genome position (GRCh38, 1-based): chr16:21,111,641, C>T on the plus strand (G>A on the coding strand, the complement: DNAH3 is on the minus strand). VCF-style: chr16-21111641-C-T. GRCh37 (hg19) VCF-style: chr16-21122962-C-T.
Other names: c.1904G>A, p.Arg635Gln (NM_001394581.1); c.2084G>A, p.Arg695Gln (NM_017539.2); short protein forms R635Q, R695Q.
Identifiers: ClinVar variation 2610798 (VCV002610798.3), dbSNP rs754186361, ClinGen allele CA7948554.
Genomic context (GRCh38, chr16:21,111,641, plus strand): 5'-TGGTGCCAAATACCATTGCTATTTGTCTGCACAGAATTACAATACCTGGTATTGGTGTCT[C>T]GGTTTACATCCACTTGGAATTGAATCAGATGGTCTTTAAGATTTTGAGCTCGCTCACAGA-3'
Protein context (NP_001334815.1, residues 625-645): HLIQFQVDVN[Arg635Gln]DTNTSICNQY

ClinVar aggregate classification (germline): Uncertain significance. Review status: criteria provided, multiple submitters, no conflicts (2 of 4 stars). 2 submissions from 2 submitters: Uncertain significance (2). Last evaluated 2024-05-08.

Allele frequency attached by ClinVar (database versions not stated): gnomAD 0.00001; gnomAD exomes 0.00001; ExAC 0.00003; TOPMed 0.00003.
gnomAD v4.1: 18 of 1,612,072 alleles (0.0011%); highest among the groups gnomAD compares: South Asian, 0.013%; no homozygotes.

Submissions (2):

GeneDx
Classification: Uncertain significance. Last evaluated: 2024-05-08. Review status: criteria provided, single submitter. Criteria: GeneDx Variant Classification Process June 2021. Collection method: clinical testing. Allele origin: germline. Affected: yes.
Comment: In silico analysis supports that this missense variant has a deleterious effect on protein structure/function; Has not been previously published as pathogenic or benign to our knowledge; Variants in candidate genes are classified as variants of uncertain significance in accordance with ACMG guidelines (PMID: 25741868)

Ambry Genetics
Classification: Uncertain significance. Last evaluated: 2023-07-11. Review status: criteria provided, single submitter. Criteria: Ambry Variant Classification Scheme 2023. Collection method: clinical testing. Allele origin: germline.